The following is an entry in ClinVar:

NM_005477.3(HCN4):c.1915G>A (p.Val639Met)

Gene: HCN4 (hyperpolarization activated cyclic nucleotide gated potassium channel 4; minus strand). Cytogenetic location: 15q24.1.
Variant type: single nucleotide variant.
Coding change: c.1915G>A on transcript NM_005477.3 (MANE Select); coding-DNA position 1915, G replaced by A.
Protein change: p.Val639Met; replaces valine 639 with methionine.
Molecular consequence: missense variant.
Genome position (GRCh38, 1-based): chr15:73,325,018, C>T on the plus strand (G>A on the coding strand, the complement: HCN4 is on the minus strand). VCF-style: chr15-73325018-C-T. GRCh37 (hg19) VCF-style: chr15-73617359-C-T.
Other names: short protein forms V639M.
Identifiers: ClinVar variation 198183 (VCV000198183.15), dbSNP rs563194186, ClinGen allele CA246701.
Genomic context (GRCh38, chr15:73,325,018, plus strand): 5'-CAAAGTAGGAGCCGTCGGCCAGCTTGGTCTCCTTGTTGCCCTTGGTGAGCACGCTGACCA[C>T]GCCATGCTGGATGAAGTACATCTTCTTGCCAATGGTGCCTTCCCGGATGATGTAGTCCCC-3'
Protein context (NP_005468.1, residues 629-649): GKKMYFIQHG[Val639Met]VSVLTKGNKE

ClinVar aggregate classification (germline): Conflicting classifications of pathogenicity. Review status: criteria provided, conflicting classifications (1 of 4 stars). 4 submissions from 4 submitters: Uncertain significance (3); Likely benign (1). Last evaluated 2025-11-12.

Conditions:
Cardiovascular phenotype. Identifiers: MedGen CN230736.
Brugada syndrome 8 (BRGDA8). Identifiers: Orphanet 130, MedGen C2751083, MONDO:0013148, OMIM 613123.

Allele frequency attached by ClinVar (database versions not stated): TOPMed 0.00002; gnomAD 0.00003 and 0.00004; gnomAD exomes 0.00003 and 0.00008; ExAC 0.00008; 1000 Genomes Project 30x 0.00031; 1000 Genomes Project 0.00040.
gnomAD v4.1: 46 of 1,614,192 alleles (0.0028%); highest among the groups gnomAD compares: South Asian, 0.034%; 1 homozygote.

Submissions (4):

Labcorp Genetics (formerly Invitae), Labcorp
Classification: Likely benign for Brugada syndrome 8. Last evaluated: 2025-11-12. Review status: criteria provided, single submitter. Criteria: Invitae Variant Classification Sherloc (09022015). Collection method: clinical testing. Allele origin: germline.

Ambry Genetics
Classification: Uncertain significance for Cardiovascular phenotype. Last evaluated: 2024-11-08. Review status: criteria provided, single submitter. Criteria: Ambry Variant Classification Scheme 2023. Collection method: clinical testing. Allele origin: germline.
Comment: The p.V639M variant (also known as c.1915G>A), located in coding exon 6 of the HCN4 gene, results from a G to A substitution at nucleotide position 1915. The valine at codon 639 is replaced by methionine, an amino acid with highly similar properties. This amino acid position is highly conserved in available vertebrate species. In addition, the in silico prediction for this alteration is inconclusive. Since supporting evidence is limited at this time, the clinical significance of this alteration remains unclear.

Athena Diagnostics
Classification: Uncertain significance. Last evaluated: 2024-09-24. Review status: criteria provided, single submitter. Criteria: Athena Diagnostics Criteria. Collection method: clinical testing. Allele origin: unknown.

Eurofins Ntd Llc (ga)
Classification: Uncertain significance. Last evaluated: 2014-11-30. Review status: criteria provided, single submitter. Criteria: EGL Classification Definitions 2015. Collection method: clinical testing. Allele origin: germline. Observed: 2 variant alleles, 2 heterozygotes.

Literature cited by the submitters: PubMed 31731876 (cited by Ambry Genetics and Athena Diagnostics); PubMed 35932045 (cited by Athena Diagnostics).